The following is an entry in ClinVar:

NM_004035.7(ACOX1):c.79C>T (p.Pro27Ser)

Gene: ACOX1 (acyl-CoA oxidase 1; minus strand). Cytogenetic location: 17q25.1.
Variant type: single nucleotide variant.
Coding change: c.79C>T on transcript NM_004035.7 (MANE Select); coding-DNA position 79, C replaced by T.
Protein change: p.Pro27Ser; replaces proline 27 with serine.
Molecular consequence: missense variant. On other transcripts: 5 prime UTR variant (1).
Genome position (GRCh38, 1-based): chr17:75,978,995, G>A on the plus strand (C>T on the coding strand, the complement: ACOX1 is on the minus strand). VCF-style: chr17-75978995-G-A. GRCh37 (hg19) VCF-style: chr17-73975076-G-A.
Other names: c.79C>T (NM_004035.6); c.-210C>T (NM_001185039.2); c.79C>T, p.Pro27Ser (NM_007292.6); short protein forms P27S.
Identifiers: ClinVar variation 3669724 (VCV003669724.2).

ClinVar aggregate classification (germline): Uncertain significance. Review status: criteria provided, multiple submitters, no conflicts (2 of 4 stars). 2 submissions from 2 submitters: Uncertain significance (2). Last evaluated 2024-12-23.

Conditions:
Inborn genetic diseases. Identifiers: MedGen C0950123, MeSH D030342.
Acyl-CoA oxidase deficiency. Also called: STRAIGHT-CHAIN ACYL-CoA OXIDASE DEFICIENCY; Pseudoneonatal adrenoleukodystrophy; Peroxisomal acyl-CoA oxidase deficiency. Identifiers: Orphanet 2971, MedGen C1849678, MONDO:0009919, OMIM 264470. Disease mechanism: loss of function.

gnomAD v4.1: 104 of 1,611,096 alleles (0.0065%); highest among the groups gnomAD compares: Non-Finnish European, 0.0076%; no homozygotes.

Submissions (2):

Ambry Genetics
Classification: Uncertain significance for Inborn genetic diseases. Last evaluated: 2024-12-23. Review status: criteria provided, single submitter. Criteria: Ambry Variant Classification Scheme 2023. Collection method: clinical testing. Allele origin: germline.

Labcorp Genetics (formerly Invitae), Labcorp
Classification: Uncertain significance for Acyl-CoA oxidase deficiency. Last evaluated: 2024-04-27. Review status: criteria provided, single submitter. Criteria: Invitae Variant Classification Sherloc (09022015). Collection method: clinical testing. Allele origin: germline.
Comment: This sequence change replaces proline, which is neutral and non-polar, with serine, which is neutral and polar, at codon 27 of the ACOX1 protein (p.Pro27Ser). This variant is present in population databases (rs372879769, gnomAD 0.009%). This variant has not been reported in the literature in individuals affected with ACOX1-related conditions. An algorithm developed to predict the effect of missense changes on protein structure and function (PolyPhen-2) suggests that this variant¬†is likely to be tolerated. In summary, the available evidence is currently insufficient to determine the role of this variant in disease. Therefore, it has been classified as a Variant of Uncertain Significance.